The following is an entry in ClinVar:

NM_000052.7(ATP7A):c.2530C>T (p.Arg844Cys)

Gene: ATP7A (ATPase copper transporting alpha; plus strand). Cytogenetic location: Xq21.1.
Variant type: single nucleotide variant.
Coding change: c.2530C>T on transcript NM_000052.7 (MANE Select); coding-DNA position 2530, C replaced by T.
Protein change: p.Arg844Cys; replaces arginine 844 with cysteine.
Molecular consequence: missense variant.
Genome position (GRCh38, 1-based): chrX:78,015,785, C>T. VCF-style: chrX-78015785-C-T. GRCh37 (hg19) VCF-style: chrX-77271282-C-T.
Other names: c.2296C>T, p.Arg766Cys (NM_001282224.2); short protein forms R844C, R766C.
Identifiers: ClinVar variation 234270 (VCV000234270.41), dbSNP rs374162669, ClinGen allele CA10459290.
Genomic context (GRCh38, chrX:78,015,785, plus strand): 5'-TGGTGCTTTTTATGTTAACTTATATCCAGTGAAGAACAAGTGGATGTGGAACTTGTACAA[C>T]GTGGAGATATCATTAAAGTAGTTCCAGGAGGCAAATTTCCAGTGGATGGTCGTGTTATTG-3'
Protein context (NP_000043.4, residues 834-854): EEQVDVELVQ[Arg844Cys]GDIIKVVPGG

ClinVar aggregate classification (germline): Benign/Likely benign. Review status: criteria provided, multiple submitters, no conflicts (2 of 4 stars). 8 submissions from 8 submitters: Benign (1); Likely benign (6). 1 of the submissions does not count toward it. Last evaluated 2026-01-15.

Conditions:
Inborn genetic diseases. Identifiers: MedGen C0950123, MeSH D030342.
ATP7A-related disorder. Also called: ATP7A-related condition.
X-linked distal spinal muscular atrophy type 3. Also called: SPINAL MUSCULAR ATROPHY, DISTAL, X-LINKED RECESSIVE; NEURONOPATHY, DISTAL HEREDITARY MOTOR, X-LINKED; NEUROPATHY, DISTAL HEREDITARY MOTOR, X-LINKED; ATP7A-Related Distal Motor Neuropathy. Identifiers: Orphanet 139557, MedGen C1845359, MONDO:0010338, OMIM 300489.
Cutis laxa, X-linked (OHS). Also called: EDS IX; Occipital horn syndrome. Identifiers: Orphanet 198, MedGen C0268353, MONDO:0010572, OMIM 304150.
Menkes kinky-hair syndrome (MNK). Also called: Copper transport disease; Menkes Disease; Classic Menkes Disease. Identifiers: Orphanet 565, MedGen C0022716, MONDO:0010651, OMIM 309400.

Allele frequency attached by ClinVar (database versions not stated): gnomAD exomes 0.00008 and 0.00012; gnomAD 0.00012 and 0.00014; ExAC 0.00015; TOPMed 0.00023; 1000 Genomes Project 0.00026; ESP Exome Variant Server 0.00028; 1000 Genomes Project 30x 0.00042.
gnomAD v4.1: 114 of 1,209,636 alleles (0.0094%); highest among the groups gnomAD compares: Middle Eastern, 0.55%; no homozygotes.

Submissions (8):

Labcorp Genetics (formerly Invitae), Labcorp
Classification: Benign for X-linked distal spinal muscular atrophy type 3; Cutis laxa, X-linked; Menkes kinky-hair syndrome. Last evaluated: 2026-01-15. Review status: criteria provided, single submitter. Criteria: Invitae Variant Classification Sherloc (09022015). Collection method: clinical testing. Allele origin: germline.

CeGaT Center for Human Genetics Tuebingen
Classification: Likely benign. Last evaluated: 2025-10-01. Review status: criteria provided, single submitter. Criteria: CeGaT Center For Human Genetics Tuebingen Variant Classification Criteria Version 2. Collection method: clinical testing. Allele origin: germline. Affected: yes. Observed: 3 variant alleles.
Comment: ATP7A: PM5, PP3, BS2

Blueprint Genetics
Classification: Likely benign. Last evaluated: 2024-09-11. Review status: criteria provided, single submitter. Criteria: ACMG Guidelines, 2015. Collection method: clinical testing. Allele origin: germline.

Fulgent Genetics
Classification: Likely benign for X-linked distal spinal muscular atrophy type 3; Cutis laxa, X-linked; Menkes kinky-hair syndrome. Last evaluated: 2021-10-12. Review status: criteria provided, single submitter. Criteria: ACMG Guidelines, 2015. Collection method: clinical testing. Allele origin: unknown.

GeneDx
Classification: Likely benign. Last evaluated: 2021-02-03. Review status: criteria provided, single submitter. Criteria: GeneDx Variant Classification Process June 2021. Collection method: clinical testing. Allele origin: germline. Affected: yes.
Comment: In silico analysis supports that this missense variant has a deleterious effect on protein structure/function; Located in a region that tolerates variation and lacks pathogenic variants; This variant is associated with the following publications: (PMID: 33151932)

Ambry Genetics
Classification: Likely benign for Inborn genetic diseases. Last evaluated: 2017-12-18. Review status: criteria provided, single submitter. Criteria: Ambry Variant Classification Scheme 2023. Collection method: clinical testing. Allele origin: germline.

Breakthrough Genomics
Classification: Likely benign. Review status: criteria provided, single submitter. Criteria: ACMG Guidelines, 2015. Collection method: not provided. Allele origin: germline. Inheritance: X-linked inheritance. Affected: yes.

PreventionGenetics, part of Exact Sciences
Classification: Likely benign for ATP7A-related condition. Last evaluated: 2024-05-10. Review status: no assertion criteria provided. Collection method: clinical testing. Allele origin: germline. Not counted in ClinVar's aggregate classification.
Comment: This variant is classified as likely benign based on ACMG/AMP sequence variant interpretation guidelines (Richards et al. 2015 PMID: 25741868, with internal and published modifications).